The following is an entry in ClinVar:

NM_001384140.1(PCDH15):c.838_839delinsG (p.Leu280fs)

Gene: PCDH15 (protocadherin related 15; minus strand). Cytogenetic location: 10q21.1.
Variant type: Indel.
Coding change: c.838_839delinsG on transcript NM_001384140.1 (MANE Select); coding-DNA positions 838 to 839, CT replaced by G.
Protein change: p.Leu280fs; shifts the reading frame from leucine 280.
Molecular consequence: frameshift variant.
Genome position (GRCh38, 1-based): chr10:54,317,308-54,317,309, AG replaced by C on the plus strand (CT replaced by G on the coding strand, the reverse complement: PCDH15 is on the minus strand). VCF-style: chr10-54317308-AG-C. GRCh37 (hg19) VCF-style: chr10-56077068-AG-C.
Other names: c.853_854delinsG, p.Leu285fs (NM_001142763.2, NM_001142771.2); c.838_839delinsG, p.Leu280fs (NM_001142764.2, NM_001142765.2, NM_001142766.2 and 7 more transcripts); c.727_728delinsG, p.Leu243fs (NM_001142767.2); c.772_773delinsG, p.Leu258fs (NM_001142768.2, NM_001142773.2, NM_001354404.2); c.853_854delCTinsG, p.Leu285Alafs (NM_001142769.4); short protein forms L243fs, L258fs, L280fs, L285fs.
Identifiers: ClinVar variation 1726277 (VCV001726277.2), dbSNP rs2541279278, ClinGen allele CA2580081650.
Genomic context (GRCh38, chr10:54,317,308, plus strand): 5'-GAGAAAGATAAGAGTATATTTACCGGAGTTCTCAACTCAGGTATGGCAGCTTGATAAGTG[AG>C]TGGACGGCAATCACGAGTGTTTGGCACAAGGACACAAGGAAGAAACATTGGACCCAAGTC-3'

ClinVar aggregate classification (germline): Likely pathogenic (1 of 4 stars; one submission).

Conditions:
Usher syndrome type 1D (USH1D). Also called: USHER SYNDROME, TYPE ID. Identifiers: Orphanet 231169, Orphanet 886, MedGen C1832845, MONDO:0010984, OMIM 601067.

Submission:

Myriad Genetics, Inc.
Classification: Likely pathogenic for Usher syndrome type 1D. Last evaluated: 2021-12-10. Review status: criteria provided, single submitter. Criteria: Myriad Women's Health Autosomal Recessive and X-Linked Classification Criteria (2021). Collection method: clinical testing. Allele origin: unknown.
Comment: NM_033056.3(PCDH15):c.838_839delCTinsG(L280Afs*10) is expected to be pathogenic in the context of PCDH15-related disorders. This variant is predicted to lead to an abnormal or absent protein product due to the creation of a premature termination codon in PCDH15, a gene where loss-of-function variants are known to be pathogenic. Please note: this variant was assessed in the context of healthy population screening.